The following is an entry in ClinVar:

ClinVar aggregate classification (germline): Uncertain significance. Review status: criteria provided, multiple submitters, no conflicts (2 of 4 stars). 2 submissions from 2 submitters: Uncertain significance (2). Last evaluated 2025-07-22.

Conditions:
Progressive microcephaly-seizures-cortical blindness-developmental delay syndrome. Also called: Seizures, cortical blindness, and microcephaly syndrome. Identifiers: Orphanet 477814, MedGen C5567650, MONDO:0014714, OMIM 616632.
Autosomal dominant nonsyndromic hearing loss 1. Also called: KONIGSMARK SYNDROME; DEAFNESS, AUTOSOMAL DOMINANT 1, WITH OR WITHOUT THROMBOCYTOPENIA. Identifiers: Orphanet 90635, MedGen C1852282, MONDO:0007424, OMIM 124900.

Allele frequency attached by ClinVar (database versions not stated): ExAC 0.00001; gnomAD 0.00002; TOPMed 0.00002; gnomAD exomes 0.00003.
gnomAD v4.1: 41 of 1,610,420 alleles (0.0025%); highest among the groups gnomAD compares: Non-Finnish European, 0.0032%; no homozygotes.

Submissions (2):

Labcorp Genetics (formerly Invitae), Labcorp
Classification: Uncertain significance for Progressive microcephaly-seizures-cortical blindness-developmental delay syndrome; Autosomal dominant nonsyndromic hearing loss 1. Last evaluated: 2025-07-22. Review status: criteria provided, single submitter. Criteria: Invitae Variant Classification Sherloc (09022015). Collection method: clinical testing. Allele origin: germline.
Comment: This sequence change replaces isoleucine, which is neutral and non-polar, with threonine, which is neutral and polar, at codon 461 of the DIAPH1 protein (p.Ile461Thr). This variant is present in population databases (rs759671442, gnomAD 0.002%). This variant has not been reported in the literature in individuals affected with DIAPH1-related conditions. ClinVar contains an entry for this variant (Variation ID: 2929716). Experimental studies and prediction algorithms are not available or were not evaluated, and the functional significance of this variant is currently unknown. In summary, the available evidence is currently insufficient to determine the role of this variant in disease. Therefore, it has been classified as a Variant of Uncertain Significance.

Department of Pathology and Laboratory Medicine, Sinai Health System
Classification: Uncertain significance for progressive microcephaly-seizures-cortical blindness-developmental delay syndrome. Last evaluated: 2021-10-21. Review status: criteria provided, single submitter. Criteria: ACMG Guidelines, 2015. Collection method: research. Allele origin: germline.

NM_005219.5(DIAPH1):c.1382T>C (p.Ile461Thr)

Gene: DIAPH1 (diaphanous related formin 1; minus strand). Cytogenetic location: 5q31.3.
Variant type: single nucleotide variant.
Coding change: c.1382T>C on transcript NM_005219.5 (MANE Select); coding-DNA position 1382, T replaced by C.
Protein change: p.Ile461Thr; replaces isoleucine 461 with threonine.
Molecular consequence: missense variant.
Genome position (GRCh38, 1-based): chr5:141,576,770, A>G on the plus strand (T>C on the coding strand, the complement: DIAPH1 is on the minus strand). VCF-style: chr5-141576770-A-G. GRCh37 (hg19) VCF-style: chr5-140956337-A-G.
Other names: c.1355T>C, p.Ile452Thr (NM_001079812.3); c.1382T>C, p.Ile461Thr (NM_001314007.2); short protein forms I461T, I452T.
Identifiers: ClinVar variation 2929716 (VCV002929716.4), dbSNP rs759671442, ClinGen allele CA3479320.